The following is an entry in ClinVar:

ClinVar aggregate classification (germline): Uncertain significance (1 of 4 stars; one submission).

Conditions:
Osteogenesis imperfecta type 8 (OI8). Identifiers: MedGen C1970458, MONDO:0012581, OMIM 610915.

Allele frequency attached by ClinVar (database versions not stated): gnomAD exomes below 0.00001 and 0.00001.
gnomAD v4.1: 12 of 1,614,164 alleles (0.00074%); highest among the groups gnomAD compares: East Asian, 0.0022%; no homozygotes.

Submission:

Labcorp Genetics (formerly Invitae), Labcorp
Classification: Uncertain significance for Osteogenesis imperfecta type 8. Last evaluated: 2022-07-12. Review status: criteria provided, single submitter. Criteria: Invitae Variant Classification Sherloc (09022015). Collection method: clinical testing. Allele origin: germline.
Comment: This sequence change replaces serine, which is neutral and polar, with leucine, which is neutral and non-polar, at codon 302 of the P3H1 protein (p.Ser302Leu). This variant is present in population databases (rs772625904, gnomAD 0.003%). This variant has not been reported in the literature in individuals affected with P3H1-related conditions. ClinVar contains an entry for this variant (Variation ID: 1489990). Algorithms developed to predict the effect of missense changes on protein structure and function are either unavailable or do not agree on the potential impact of this missense change (SIFT: "Deleterious"; PolyPhen-2: "Benign"; Align-GVGD: "Class C15"). In summary, the available evidence is currently insufficient to determine the role of this variant in disease. Therefore, it has been classified as a Variant of Uncertain Significance.

NM_022356.4(P3H1):c.905C>T (p.Ser302Leu)

Gene: P3H1 (prolyl 3-hydroxylase 1; minus strand). Cytogenetic location: 1p34.2.
Variant type: single nucleotide variant.
Coding change: c.905C>T on transcript NM_022356.4 (MANE Select); coding-DNA position 905, C replaced by T.
Protein change: p.Ser302Leu; replaces serine 302 with leucine.
Molecular consequence: missense variant.
Genome position (GRCh38, 1-based): chr1:42,758,887, G>A on the plus strand (C>T on the coding strand, the complement: P3H1 is on the minus strand). VCF-style: chr1-42758887-G-A. GRCh37 (hg19) VCF-style: chr1-43224558-G-A.
Other names: c.905C>T, p.Ser302Leu (NM_001146289.2, NM_001243246.2); short protein forms S302L.
Identifiers: ClinVar variation 1489990 (VCV001489990.5), dbSNP rs772625904, ClinGen allele CA21245273.